The following is an entry in ClinVar:

NM_001371623.1(TCOF1):c.-5C>T

Genes: TCOF1 (treacle ribosome biogenesis factor 1; plus strand), LOC129994985 (ATAC-STARR-seq lymphoblastoid silent region 16507; plus strand). Cytogenetic location: 5q32.
Variant type: single nucleotide variant.
Coding change: c.-5C>T on transcript NM_001371623.1 (MANE Select); 5 bases upstream of the start codon, C replaced by T.
Molecular consequence: 5 prime UTR variant.
Genome position (GRCh38, 1-based): chr5:150,357,742, C>T. VCF-style: chr5-150357742-C-T. GRCh37 (hg19) VCF-style: chr5-149737305-C-T.
Other names: c.-5C>T (NM_000356.4, NM_001008657.3, NM_001135243.2 and 4 more transcripts).
Identifiers: ClinVar variation 4989212 (VCV004989212.1).
Genomic context (GRCh38, chr5:150,357,742, plus strand): 5'-AGGGAAGTGGCGGGCGGGGACTAAGGCGGGGCGTGCAGGTAGCCGGCCGGCCGGGGGTCG[C>T]GGGTATGGCCGAGGCCAGGAAGCGGCGGGAGCTACTTCCCCTGATCTACCACCATCTGCT-3'

ClinVar aggregate classification (germline): Likely benign (1 of 4 stars; one submission).

Conditions:
TCOF1-related disorder. Also called: TCOF1-related condition.

gnomAD v4.1: 27 of 1,548,218 alleles (0.0017%); highest among the groups gnomAD compares: Admixed American, 0.022%; no homozygotes.

Submission:

PreventionGenetics, part of Exact Sciences
Classification: Likely benign for TCOF1-related condition. Last evaluated: 2026-05-22. Review status: criteria provided, single submitter. Criteria: ACMG Guidelines, 2015. Collection method: clinical testing. Allele origin: germline.
Comment: This variant is classified as likely benign based on ACMG/AMP sequence variant interpretation guidelines (Richards et al. 2015 PMID: 25741868, with internal and published modifications).